The following is an entry in ClinVar:

ClinVar aggregate classification (germline): Uncertain significance (1 of 4 stars; one submission).

Conditions:
Hereditary cancer-predisposing syndrome. Also called: Neoplastic Syndromes, Hereditary; Tumor predisposition; Hereditary Cancer Syndrome; Hereditary neoplastic syndrome. Identifiers: Orphanet 140162, MedGen C0027672, MeSH D009386, MONDO:0015356.

Submission:

Ambry Genetics
Classification: Uncertain significance for Hereditary cancer-predisposing syndrome. Last evaluated: 2024-10-14. Review status: criteria provided, single submitter. Criteria: Ambry Variant Classification Scheme 2023. Collection method: clinical testing. Allele origin: germline.
Comment: The p.E34V variant (also known as c.101A>T), located in coding exon 1 of the NF2 gene, results from an A to T substitution at nucleotide position 101. The glutamic acid at codon 34 is replaced by valine, an amino acid with dissimilar properties. This amino acid position is conserved. In addition, the in silico prediction for this alteration is inconclusive. Based on the available evidence, the clinical significance of this variant remains unclear.

NM_000268.4(NF2):c.101A>T (p.Glu34Val)

Gene: NF2 (NF2, moesin-ezrin-radixin like (MERLIN) tumor suppressor; plus strand). Cytogenetic location: 22q12.2.
Variant type: single nucleotide variant.
Coding change: c.101A>T on transcript NM_000268.4 (MANE Select); coding-DNA position 101, A replaced by T.
Protein change: p.Glu34Val; replaces glutamic acid 34 with valine.
Molecular consequence: missense variant. On other transcripts: 5 prime UTR variant (4), non-coding transcript variant (1).
Genome position (GRCh38, 1-based): chr22:29,604,099, A>T. VCF-style: chr22-29604099-A-T. GRCh37 (hg19) VCF-style: chr22-30000088-A-T.
Other names: c.-130A>T (NM_001407053.1, NM_001407056.1); c.101A>T, p.Glu34Val (NM_001407054.1, NM_001407055.1, NM_001407057.1 and 15 more transcripts); c.-540A>T (NM_001407065.1); c.-156A>T (NM_001407067.1); short protein forms E34V.
Identifiers: ClinVar variation 3405006 (VCV003405006.1).